The following is an entry in ClinVar:

NM_013275.6(ANKRD11):c.4196C>T (p.Ala1399Val)

Gene: ANKRD11 (ankyrin repeat domain 11; minus strand). Cytogenetic location: 16q24.3.
Variant type: single nucleotide variant.
Coding change: c.4196C>T on transcript NM_013275.6 (MANE Select); coding-DNA position 4196, C replaced by T.
Protein change: p.Ala1399Val; replaces alanine 1399 with valine.
Molecular consequence: missense variant.
Genome position (GRCh38, 1-based): chr16:89,282,346, G>A on the plus strand (C>T on the coding strand, the complement: ANKRD11 is on the minus strand). VCF-style: chr16-89282346-G-A. GRCh37 (hg19) VCF-style: chr16-89348754-G-A.
Other names: c.4196C>T, p.Ala1399Val (NM_001256182.2, NM_001256183.2); short protein forms A1399V.
Identifiers: ClinVar variation 2082438 (VCV002082438.4), dbSNP rs752446167, ClinGen allele CA8242188.
Genomic context (GRCh38, chr16:89,282,346, plus strand): 5'-GTTTTATCTAGCTCATCTTCTATGTCAGCTTTCATGTTGTAAGAAACTCCGTAAGCATCC[G>A]CCTCCAGGAAGTCCTTTTCGTACTGGCCGGAGTCCTTCCTGCTACCGCCCTCCTTGTAAT-3'
Protein context (NP_037407.4, residues 1389-1409): SGQYEKDFLE[Ala1399Val]DAYGVSYNMK

ClinVar aggregate classification (germline): Uncertain significance (1 of 4 stars; one submission).

Conditions:
KBG syndrome (KBGS). Also called: ANKRD11-Related KBG Syndrome. Identifiers: Orphanet 2332, MedGen C0220687, MONDO:0007846, OMIM 148050.

Allele frequency attached by ClinVar (database versions not stated): ExAC 0.00001; gnomAD 0.00001; gnomAD exomes 0.00003; TOPMed 0.00003.
gnomAD v4.1: 47 of 1,613,990 alleles (0.0029%); highest among the groups gnomAD compares: Non-Finnish European, 0.0036%; no homozygotes.

Submission:

Labcorp Genetics (formerly Invitae), Labcorp
Classification: Uncertain significance for KBG syndrome. Last evaluated: 2022-05-15. Review status: criteria provided, single submitter. Criteria: Invitae Variant Classification Sherloc (09022015). Collection method: clinical testing. Allele origin: germline.
Comment: In summary, the available evidence is currently insufficient to determine the role of this variant in disease. Therefore, it has been classified as a Variant of Uncertain Significance. Algorithms developed to predict the effect of sequence changes on RNA splicing suggest that this variant may create or strengthen a splice site. Advanced modeling of protein sequence and biophysical properties (such as structural, functional, and spatial information, amino acid conservation, physicochemical variation, residue mobility, and thermodynamic stability) performed at Invitae indicates that this missense variant is not expected to disrupt ANKRD11 protein function. This variant has not been reported in the literature in individuals affected with ANKRD11-related conditions. This variant is present in population databases (rs752446167, gnomAD 0.003%). This sequence change replaces alanine, which is neutral and non-polar, with valine, which is neutral and non-polar, at codon 1399 of the ANKRD11 protein (p.Ala1399Val).